The following is an entry in ClinVar:

ClinVar aggregate classification (germline): Benign/Likely benign. Review status: criteria provided, multiple submitters, no conflicts (2 of 4 stars). 4 submissions from 4 submitters: Benign (1); Likely benign (3). Last evaluated 2025-03-14.

Conditions:
Hereditary cancer-predisposing syndrome. Also called: Tumor predisposition; Hereditary neoplastic syndrome; Neoplastic Syndromes, Hereditary; Hereditary Cancer Syndrome. Identifiers: Orphanet 140162, MedGen C0027672, MeSH D009386, MONDO:0015356.
Familial cancer of breast. Also called: BREAST CANCER, FAMILIAL; Hereditary breast cancer; hereditary breast carcinoma. Identifiers: Orphanet 227535, MedGen C0346153, MONDO:0016419, OMIM 114480. Disease mechanism: loss of function.
Fanconi anemia complementation group J. Also called: BRIP1-Related Fanconi Anemia. Identifiers: Orphanet 84, MedGen C1836860, MONDO:0012187, OMIM 609054.

Allele frequency attached by ClinVar (database versions not stated): gnomAD exomes below 0.00001.
gnomAD v4.1: 2 of 1,613,920 alleles (0.00012%); highest among the groups gnomAD compares: Admixed American, 0.0017%; no homozygotes.

Submissions (4):

Labcorp Genetics (formerly Invitae), Labcorp
Classification: Likely benign for Familial cancer of breast; Fanconi anemia complementation group J. Last evaluated: 2025-03-14. Review status: criteria provided, single submitter. Criteria: Invitae Variant Classification Sherloc (09022015). Collection method: clinical testing. Allele origin: germline.

Myriad Genetics, Inc.
Classification: Likely benign for Familial cancer of breast. Last evaluated: 2024-09-05. Review status: criteria provided, single submitter. Criteria: Myriad Autosomal Dominant, Autosomal Recessive and X-Linked Classification Criteria (2023). Collection method: clinical testing. Allele origin: unknown.
Comment: This variant is considered likely benign. This variant is intronic and is not expected to impact mRNA splicing.

Color Diagnostics, LLC DBA Color Health
Classification: Likely benign for Hereditary cancer-predisposing syndrome. Last evaluated: 2018-11-30. Review status: criteria provided, single submitter. Criteria: ACMG Guidelines, 2015. Collection method: clinical testing. Allele origin: germline.

GeneDx
Classification: Benign. Last evaluated: 2014-02-25. Review status: criteria provided, single submitter. Criteria: GeneDx Variant Classification (06012015). Collection method: clinical testing. Allele origin: germline. Affected: yes.
Comment: This variant is considered likely benign or benign based on one or more of the following criteria: it is a conservative change, it occurs at a poorly conserved position in the protein, it is predicted to be benign by multiple in silico algorithms, and/or has population frequency not consistent with disease.

NM_032043.3(BRIP1):c.2576-8T>C

Gene: BRIP1 (BRCA1 interacting DNA helicase 1; minus strand). Cytogenetic location: 17q23.2.
Variant type: single nucleotide variant.
Coding change: c.2576-8T>C on transcript NM_032043.3 (MANE Select); 8 bases into the intron before coding-DNA position 2576, T replaced by C.
Molecular consequence: intron variant.
Genome position (GRCh38, 1-based): chr17:61,686,173, A>G on the plus strand (T>C on the coding strand, the complement: BRIP1 is on the minus strand). VCF-style: chr17-61686173-A-G. GRCh37 (hg19) VCF-style: chr17-59763534-A-G.
Identifiers: ClinVar variation 136578 (VCV000136578.14), dbSNP rs587780874, ClinGen allele CA289741.